The following is an entry in ClinVar:

ClinVar aggregate classification (germline): Pathogenic. Review status: criteria provided, multiple submitters, no conflicts (2 of 4 stars). 3 submissions from 3 submitters: Pathogenic (2). 1 of the submissions does not count toward it. Last evaluated 2020-11-13.

Conditions:
Combined oxidative phosphorylation deficiency 36 (COXPD36). Identifiers: MedGen C4693722, MONDO:0054781, OMIM 617950.

Allele frequency attached by ClinVar (database versions not stated): gnomAD 0.00001; gnomAD exomes 0.00001 and 0.00003; ExAC 0.00002; TOPMed 0.00002.

Submissions (3):

Laboratory of Biochemistry, Assistance Publique Hopitaux de Paris - Bicetre Hospital
Classification: Pathogenic for Combined oxidative phosphorylation deficiency 36. Last evaluated: 2020-11-13. Review status: criteria provided, single submitter. Criteria: ACMG Guidelines, 2015. Collection method: clinical testing. Allele origin: biparental. Inheritance: Autosomal recessive inheritance. Affected: yes. Observed: 1 homozygote.
Comment: The Arg110Cys variant in MRPS2 has been reported in 2 patients (one in heterozygous compound state and one in homozygous state). Mitochondrial respiratory chain complexes (I and IV) deficiencies were found in both patients. Typical clinical features of mitochondrial disorders (hyperlactatemia, hypoglycemia, hearing loss, neurological abnormaliites). The Arg110Cys variant fulfils the criteria to be classified as pathogenic on the basis of segregation studies, absence in controls and functional evidence.

SIB Swiss Institute of Bioinformatics
Classification: Pathogenic for Combined oxidative phosphorylation deficiency 36. Last evaluated: 2018-10-15. Review status: criteria provided, single submitter. Criteria: ACMG Guidelines, 2015. Collection method: curation. Allele origin: unknown.
Comment: This variant is interpreted as Pathogenic, for Combined oxidative phosphorylation deficiency 36, autosomal recessive. The following ACMG Tag(s) were applied: PP3 => Multiple lines of computational evidence support a deleterious effect on the gene or gene product. PM2 => Absent from controls (or at extremely low frequency if recessive) in Exome Sequencing Project, 1000 Genomes Project, or Exome Aggregation Consortium. PS3-Very Strong => PS3 upgraded in strength to Very Strong (PubMed 29576219).

OMIM
Classification: Pathogenic for COMBINED OXIDATIVE PHOSPHORYLATION DEFICIENCY 36. Last evaluated: 2018-05-03. Review status: no assertion criteria provided. Collection method: literature only. Allele origin: germline. Not counted in ClinVar's aggregate classification.

Literature cited by the submitters: PubMed 29576219 (cited by 3 submitters).

NM_016034.5(MRPS2):c.328C>T (p.Arg110Cys)

Genes: MRPS2 (mitochondrial ribosomal protein S2; plus strand), LOC101928525 (uncharacterized LOC101928525; minus strand). Cytogenetic location: 9q34.3.
Variant type: single nucleotide variant.
Coding change: c.328C>T on transcript NM_016034.5 (MANE Select); coding-DNA position 328, C replaced by T.
Protein change: p.Arg110Cys; replaces arginine 110 with cysteine.
Molecular consequence: missense variant. On other transcripts: non-coding transcript variant (5).
Genome position (GRCh38, 1-based): chr9:135,503,570, C>T. VCF-style: chr9-135503570-C-T. GRCh37 (hg19) VCF-style: chr9-138395416-C-T.
Other names: c.328C>T, p.Arg110Cys (NM_001371401.1); short protein forms R110C.
Identifiers: ClinVar variation 523223 (VCV000523223.3), dbSNP rs761334309, ClinGen allele CA5323907.
Genomic context (GRCh38, chr9:135,503,570, plus strand): 5'-CATCCCCCTTGCCTTGGTGGGGTCTCTGGCAGGTTTATGGAGCCGTACATCTTTGGGAGC[C>T]GCCTGGACCACGACATCATCGACCTGGAACAGACAGCCACGCACCTCCAGCTGGCCTTGA-3'
Protein context (NP_057118.1, residues 100-120): RFMEPYIFGS[Arg110Cys]LDHDIIDLEQ